The following is an entry in ClinVar:

ClinVar aggregate classification (germline): Uncertain significance (1 of 4 stars; one submission).

Conditions:
Ehlers-Danlos syndrome, classic type, 1 (EDSCL1). Also called: EHLERS-DANLOS SYNDROME, GRAVIS TYPE; EHLERS-DANLOS SYNDROME, SEVERE CLASSIC TYPE; Ehlers-Danlos syndrome, type 1; Ehlers-Danlos Syndrome, Classic Type, COL5A1-Related; EDS I. Identifiers: MedGen C0268335, MONDO:0019567, OMIM 130000.
Osteogenesis imperfecta type I (OI1). Also called: OI, TYPE I; OSTEOGENESIS IMPERFECTA TARDA; OSTEOGENESIS IMPERFECTA WITH BLUE SCLERAE; Osteogenesis imperfecta type 1; Lobstein's Disease; Lobstein disease. Identifiers: Orphanet 216796, Orphanet 666, MedGen C0023931, MONDO:0008146, OMIM 166200. Disease mechanism: loss of function.

Submission:

Labcorp Genetics (formerly Invitae), Labcorp
Classification: Uncertain significance for Osteogenesis imperfecta type I; Ehlers-Danlos syndrome, classic type, 1. Last evaluated: 2022-12-15. Review status: criteria provided, single submitter. Criteria: Invitae Variant Classification Sherloc (09022015). Collection method: clinical testing. Allele origin: unknown.
Comment: In summary, the available evidence is currently insufficient to determine the role of this variant in disease. Therefore, it has been classified as a Variant of Uncertain Significance. Experimental studies and prediction algorithms are not available or were not evaluated, and the functional significance of this variant is currently unknown. This variant has not been reported in the literature in individuals affected with COL1A2-related conditions. This variant is a gross deletion of the genomic region encompassing exon(s) 4-6 of the COL1A2 gene. This variant would be expected to be in-frame, preserving the integrity of the reading frame.

NC_000007.13:g.(?_94028341)_(94030952_?)del

Gene: COL1A2 (collagen type I alpha 2 chain; plus strand). Cytogenetic location: 7q21.3.
Variant type: Deletion.
Identifiers: ClinVar variation 3245693 (VCV003245693.1).